The following is an entry in ClinVar:

NM_000360.4(TH):c.977+8C>G

Gene: TH (tyrosine hydroxylase; minus strand). Cytogenetic location: 11p15.5.
Variant type: single nucleotide variant.
Coding change: c.977+8C>G on transcript NM_000360.4 (MANE Select); 8 bases into the intron after coding-DNA position 977, C replaced by G.
Molecular consequence: intron variant.
Genome position (GRCh38, 1-based): chr11:2,166,625, G>C on the plus strand (C>G on the coding strand, the complement: TH is on the minus strand). VCF-style: chr11-2166625-G-C. GRCh37 (hg19) VCF-style: chr11-2187855-G-C.
Other names: p.?; c.1058+8C>G (NM_199293.3); c.1070+8C>G (NM_199292.3).
Identifiers: ClinVar variation 263250 (VCV000263250.30), dbSNP rs12419447, ClinGen allele CA5818443.

ClinVar aggregate classification (germline): Benign. Review status: criteria provided, multiple submitters, no conflicts (2 of 4 stars). 15 submissions from 15 submitters: Benign (12). 3 of the submissions do not count toward it. Last evaluated 2026-02-04.

Conditions:
TH-deficient dopa-responsive dystonia. Also called: DYT-TH; Segawa syndrome, autosomal recessive; Tyrosine Hydroxylase-Deficient Dopa-Responsive Dystonia. Identifiers: Orphanet 101150, MedGen C2673535, MONDO:0011551, OMIM 605407.

Allele frequency attached by ClinVar (database versions not stated): 1000 Genomes Project 0.17991; ExAC 0.36903; ESP Exome Variant Server 0.26189; 1000 Genomes Project 30x 0.18239; gnomAD 0.27037 and 0.27597; gnomAD exomes 0.27867; TOPMed 0.26044.
gnomAD v4.1: 519,344 of 1,578,486 alleles (33%); highest among the groups gnomAD compares: Non-Finnish European, 37%; 91,703 homozygotes.

Submissions (15):

Labcorp Genetics (formerly Invitae), Labcorp
Classification: Benign for TH-deficient dopa-responsive dystonia. Last evaluated: 2026-02-04. Review status: criteria provided, single submitter. Criteria: Invitae Variant Classification Sherloc (09022015). Collection method: clinical testing. Allele origin: germline.

Blueprint Genetics
Classification: Benign. Last evaluated: 2024-11-27. Review status: criteria provided, single submitter. Criteria: ACMG Guidelines, 2015. Collection method: clinical testing. Allele origin: germline.

Unidad de Genómica Garrahan, Hospital de Pediatría Garrahan
Classification: Benign. Last evaluated: 2024-07-31. Review status: criteria provided, single submitter. Criteria: ACMG Guidelines, 2015. Collection method: clinical testing. Allele origin: germline. Affected: no. Observed: 39 variant alleles.
Comment: This variant is classified as Benign based on local population frequency. This variant was detected in 42% of patients studied in a panel designed for Epileptic and Developmental Encephalopathy, Progressive Myoclonus Epilepsy and Abnormal Movements and Neurodegeneration with brain iron accumulation. Number of patients: 39. Only high quality variants are reported.

Mayo Clinic Laboratories, Mayo Clinic
Classification: Benign. Last evaluated: 2022-04-14. Review status: criteria provided, single submitter. Criteria: ACMG Guidelines, 2015. Collection method: clinical testing. Allele origin: germline. Observed: 356 variant alleles.

Genome-Nilou Lab
Classification: Benign for TH-deficient dopa-responsive dystonia. Last evaluated: 2021-07-10. Review status: criteria provided, single submitter. Criteria: ACMG Guidelines, 2015. Collection method: clinical testing. Allele origin: germline. Affected: no.

Illumina Laboratory Services, Illumina
Classification: Benign for TH-deficient dopa-responsive dystonia. Last evaluated: 2018-01-12. Review status: criteria provided, single submitter. Criteria: ICSL Variant Classification Criteria 13 December 2019. Collection method: clinical testing. Allele origin: germline.
Comment: This variant was observed in the ICSL laboratory as part of a predisposition screen in an ostensibly healthy population. It had not been previously curated by ICSL or reported in the Human Gene Mutation Database (HGMD: prior to June 1st, 2018), and was therefore a candidate for classification through an automated scoring system. Utilizing variant allele frequency, disease prevalence and penetrance estimates, and inheritance mode, an automated score was calculated to assess if this variant is too frequent to cause the disease. Based on the score and internal cut-off values, a variant classified as benign is not then subjected to further curation. The score for this variant resulted in a classification of benign for this disease.

Athena Diagnostics
Classification: Benign. Last evaluated: 2017-04-14. Review status: criteria provided, single submitter. Criteria: Athena Diagnostics Criteria. Collection method: clinical testing. Allele origin: germline.

Eurofins Ntd Llc (ga)
Classification: Benign. Last evaluated: 2016-05-14. Review status: criteria provided, single submitter. Criteria: EGL Classification Definitions 2015. Collection method: clinical testing. Allele origin: germline. Observed: 1 variant allele, 1 heterozygote.

Clinical Genetics DNA and cytogenetics Diagnostics Lab, Erasmus MC, Erasmus Medical Center
Classification: Benign for TH-deficient dopa-responsive dystonia. Last evaluated: 2015-09-21. Review status: criteria provided, single submitter. Criteria: ACGS Guidelines, 2013. Collection method: clinical testing. Allele origin: germline. Affected: yes. Study: VKGL Data-share Consensus.

GeneDx
Classification: Benign. Last evaluated: 2015-03-03. Review status: criteria provided, single submitter. Criteria: GeneDx Variant Classification Process June 2021. Collection method: clinical testing. Allele origin: germline. Affected: yes.

Breakthrough Genomics
Classification: Benign. Review status: criteria provided, single submitter. Criteria: ACMG Guidelines, 2015. Collection method: not provided. Allele origin: germline. Inheritance: Autosomal recessive inheritance. Affected: yes.

PreventionGenetics, part of Exact Sciences
Classification: Benign. Review status: criteria provided, single submitter. Criteria: ACMG Guidelines, 2015. Collection method: clinical testing. Allele origin: germline.

Natera, Inc.
Classification: Benign for Autosomal recessive Segawa syndrome. Last evaluated: 2020-09-16. Review status: no assertion criteria provided. Collection method: clinical testing. Allele origin: germline. Not counted in ClinVar's aggregate classification.

Genome Diagnostics Laboratory, Amsterdam University Medical Center
Classification: Benign for TH-deficient dopa-responsive dystonia. Last evaluated: 2015-02-07. Review status: no assertion criteria provided. Criteria: ACGS Guidelines, 2013. Collection method: clinical testing. Allele origin: germline. Affected: yes. Study: VKGL Data-share Consensus. Not counted in ClinVar's aggregate classification.

Joint Genome Diagnostic Labs from Nijmegen and Maastricht, Radboudumc and MUMC+
Classification: Benign. Review status: no assertion criteria provided. Collection method: clinical testing. Allele origin: germline. Affected: yes. Study: VKGL Data-share Consensus. Not counted in ClinVar's aggregate classification.